The following is an entry in ClinVar:

ClinVar aggregate classification (germline): Benign/Likely benign. Review status: criteria provided, multiple submitters, no conflicts (2 of 4 stars). 3 submissions from 3 submitters: Benign (1); Likely benign (2). Last evaluated 2026-01-03.

Conditions:
Familial melanoma. Also called: Hereditary melanoma; Hereditary cutaneous melanoma. Identifiers: Orphanet 618, MedGen C1512419, MONDO:0018961.
Hereditary cancer-predisposing syndrome. Also called: Neoplastic Syndromes, Hereditary; Hereditary Cancer Syndrome; Tumor predisposition; Hereditary neoplastic syndrome. Identifiers: Orphanet 140162, MedGen C0027672, MeSH D009386, MONDO:0015356.
Melanoma-pancreatic cancer syndrome. Identifiers: Orphanet 404560, MedGen C1838547, MONDO:0011713, OMIM 606719. Disease mechanism: loss of function.

Submissions (3):

Ambry Genetics
Classification: Likely benign for Hereditary cancer-predisposing syndrome. Last evaluated: 2026-01-03. Review status: criteria provided, single submitter. Criteria: Ambry Variant Classification Scheme 2023. Collection method: clinical testing. Allele origin: germline.

Myriad Genetics, Inc.
Classification: Benign for Melanoma-pancreatic cancer syndrome. Last evaluated: 2025-08-13. Review status: criteria provided, single submitter. Criteria: Myriad Autosomal Dominant, Autosomal Recessive and X-Linked Classification Criteria (2023). Collection method: clinical testing. Allele origin: unknown.
Comment: This variant is considered benign. This variant is a silent/synonymous amino acid change and it is not expected to impact splicing.

Labcorp Genetics (formerly Invitae), Labcorp
Classification: Likely benign for Familial melanoma. Last evaluated: 2021-10-18. Review status: criteria provided, single submitter. Criteria: Invitae Variant Classification Sherloc (09022015). Collection method: clinical testing. Allele origin: germline.

NM_000077.5(CDKN2A):c.96G>A (p.Leu32=)

Gene: CDKN2A (cyclin dependent kinase inhibitor 2A; minus strand). Cytogenetic location: 9p21.3.
Variant type: single nucleotide variant.
Coding change: c.96G>A on transcript NM_000077.5; coding-DNA position 96, G replaced by A.
Protein change: p.Leu32=; no amino-acid change (leucine 32 retained).
Molecular consequence: synonymous variant (on NM_000077.6). On other transcripts: intron variant (2).
Genome position (GRCh38, 1-based): chr9:21,974,732, C>T on the plus strand (G>A on the coding strand, the complement: CDKN2A is on the minus strand). VCF-style: chr9-21974732-C-T. GRCh37 (hg19) VCF-style: chr9-21974731-C-T.
Other names: c.96G>A, p.Leu32= (NM_000077.6, NM_001195132.2, NM_058197.5); c.-3-3524G>A (NM_001363763.2); c.194-3524G>A (NM_058195.4).
Identifiers: ClinVar variation 1545998 (VCV001545998.10), dbSNP rs2131112692, ClinGen allele CA464100147.